The following is an entry in ClinVar:

NM_000521.4(HEXB):c.1462_1481dup (p.Ala495fs)

Gene: HEXB (hexosaminidase subunit beta; plus strand). Cytogenetic location: 5q13.3.
Variant type: Duplication.
Coding change: c.1462_1481dup on transcript NM_000521.4 (MANE Select); coding-DNA positions 1462 to 1481, 20 bases duplicated (CTATGGGGAGAATATGTGGA).
Protein change: p.Ala495fs; shifts the reading frame from alanine 495.
Molecular consequence: frameshift variant.
Genome position (GRCh38, 1-based): chr5:74,720,472-74,720,491, CTATGGGGAGAATATGTGGA duplicated. VCF-style (leftmost placement, unchanged base first): chr5-74720471-T-TCTATGGGGAGAATATGTGGA. GRCh37 (hg19) VCF-style: chr5-74016296-T-TCTATGGGGAGAATATGTGGA.
Other names: c.787_806dup, p.Ala270fs (NM_001292004.2); short protein forms A495fs, A270fs.
Identifiers: ClinVar variation 2914737 (VCV002914737.3), dbSNP rs754942883, ClinGen allele CA3306158.

ClinVar aggregate classification (germline): Pathogenic (1 of 4 stars; one submission).

Conditions:
Sandhoff disease. Also called: GM2-GANGLIOSIDOSIS, TYPE II; HEXOSAMINIDASES A AND B DEFICIENCY; Beta-hexosaminidase-beta-subunit deficiency; GM2 gangliosidosis, type 2; Total hexosaminidase deficiency; Sandhoff-Jatzkewitz-Pilz disease. Identifiers: Orphanet 796, MedGen C0036161, MONDO:0010006, OMIM 268800.

Allele frequency attached by ClinVar (database versions not stated): ExAC 0.00001.

Submission:

Labcorp Genetics (formerly Invitae), Labcorp
Classification: Pathogenic for Sandhoff disease. Last evaluated: 2023-08-11. Review status: criteria provided, single submitter. Criteria: Invitae Variant Classification Sherloc (09022015). Collection method: clinical testing. Allele origin: germline.
Comment: For these reasons, this variant has been classified as Pathogenic. This variant disrupts a region of the HEXB protein in which other variant(s) (p.Cys551Tyr) have been determined to be pathogenic (PMID: 24461908, 33407268). This suggests that this is a clinically significant region of the protein, and that variants that disrupt it are likely to be disease-causing. This variant has not been reported in the literature in individuals affected with HEXB-related conditions. This variant is present in population databases (rs754942883, gnomAD 0.003%). This sequence change creates a premature translational stop signal (p.Ala495Tyrfs*42) in the HEXB gene. While this is not anticipated to result in nonsense mediated decay, it is expected to disrupt the last 62 amino acid(s) of the HEXB protein.

Literature cited by the submitters: PubMed 24461908; PubMed 33407268.